The following is an entry in ClinVar:

ClinVar aggregate classification (germline): Conflicting classifications of pathogenicity. Review status: criteria provided, conflicting classifications (1 of 4 stars). 3 submissions from 3 submitters: Pathogenic (1); Likely pathogenic (1); Uncertain significance (1). Last evaluated 2026-09-03.

Conditions:
USH2A-related disorder. Also called: USH2A-related condition; USH2A-related disorders. Identifiers: MedGen CN239332.

Allele frequency attached by ClinVar (database versions not stated): TOPMed 0.00001; gnomAD 0.00002.
gnomAD v4.1: 6 of 1,613,568 alleles (0.00037%); highest among the groups gnomAD compares: Admixed American, 0.0017%; no homozygotes.

Submissions (3):

Myriad Genetics, Inc.
Classification: Uncertain significance for USH2A-related disorder. Last evaluated: 2026-09-03. Review status: criteria provided, single submitter. Criteria: Myriad Autosomal Dominant, Autosomal Recessive and X-Linked Classification Criteria (2023). Collection method: clinical testing. Allele origin: unknown.
Comment: NM_206933.2(USH2A):c.10437G>T(W3479C) is a missense variant classified as a variant of uncertain significance in the context of USH2A-related disorders. W3479C has been observed in cases with relevant disease (PMID: 30073356, 38602021, 34781295). Relevant functional assessments of this variant are not available in the literature. W3479C has not been observed in referenced population frequency databases. In summary, there is insufficient evidence to classify NM_206933.2(USH2A):c.10437G>T(W3479C) as pathogenic or benign. Please note: this variant was assessed in the context of healthy population screening.

Labcorp Genetics (formerly Invitae), Labcorp
Classification: Pathogenic. Last evaluated: 2025-10-15. Review status: criteria provided, single submitter. Criteria: Invitae Variant Classification Sherloc (09022015). Collection method: clinical testing. Allele origin: germline.
Comment: This sequence change replaces tryptophan, which is neutral and slightly polar, with cysteine, which is neutral and slightly polar, at codon 3479 of the USH2A protein (p.Trp3479Cys). This variant is not present in population databases (gnomAD no frequency). This missense change has been observed in individual(s) with retinitis pigmentosa (PMID: 20507924, 30073356, 33576794, 34781295; internal data). ClinVar contains an entry for this variant (Variation ID: 2151770). Invitae Evidence Modeling of protein sequence and biophysical properties (such as structural, functional, and spatial information, amino acid conservation, physicochemical variation, residue mobility, and thermodynamic stability) has been performed for this missense variant. However, the output from this modeling did not meet the statistical confidence thresholds required to predict the impact of this variant on USH2A protein function. For these reasons, this variant has been classified as Pathogenic.

Blueprint Genetics
Classification: Likely pathogenic for USH2A-related disorders. Last evaluated: 2024-03-15. Review status: criteria provided, single submitter. Criteria: ACMG Guidelines, 2015. Collection method: clinical testing. Allele origin: germline. Affected: yes. Observed: 5 variant alleles.

Literature cited by the submitters: PubMed 30073356 (cited by Myriad Genetics, Inc. and Labcorp Genetics (formerly Invitae), Labcorp); PubMed 34781295 (cited by Myriad Genetics, Inc. and Labcorp Genetics (formerly Invitae), Labcorp); PubMed 38602021 (cited by Myriad Genetics, Inc.); PubMed 20507924 (cited by Labcorp Genetics (formerly Invitae), Labcorp); PubMed 33576794 (cited by Labcorp Genetics (formerly Invitae), Labcorp).

NM_206933.4(USH2A):c.10437G>T (p.Trp3479Cys)

Gene: USH2A (usherin; minus strand). Cytogenetic location: 1q41.
Variant type: single nucleotide variant.
Coding change: c.10437G>T on transcript NM_206933.4 (MANE Select); coding-DNA position 10437, G replaced by T.
Protein change: p.Trp3479Cys; replaces tryptophan 3479 with cysteine.
Molecular consequence: missense variant.
Genome position (GRCh38, 1-based): chr1:215,782,886, C>A on the plus strand (G>T on the coding strand, the complement: USH2A is on the minus strand). VCF-style: chr1-215782886-C-A. GRCh37 (hg19) VCF-style: chr1-215956228-C-A.
Other names: short protein forms W3479C.
Identifiers: ClinVar variation 2151770 (VCV002151770.6), dbSNP rs1308924086, ClinGen allele CA344838008.
Genomic context (GRCh38, chr1:215,782,886, plus strand): 5'-AGGCACATCTTCTTTTGTTCTGGCTCTCACAGCTTTGCTGAGTCCTCGCCCATAGCTGTT[C>A]CAGGCAGAAATCCTGTACTCATATGTCATGTAGGGCTTGAGGTTCACATCTGGAAAGAGA-3'
Protein context (NP_996816.3, residues 3469-3489): YMTYEYRISA[Trp3479Cys]NSYGRGLSKA